The following is an entry in ClinVar:

NM_001366057.1(OTUD4):c.81C>T (p.Ala27=)

Gene: OTUD4 (OTU deubiquitinase 4; minus strand). Cytogenetic location: 4q31.21.
Variant type: single nucleotide variant.
Coding change: c.81C>T on transcript NM_001366057.1 (MANE Select); coding-DNA position 81, C replaced by T.
Protein change: p.Ala27=; no amino-acid change (alanine 27 retained).
Molecular consequence: synonymous variant.
Genome position (GRCh38, 1-based): chr4:145,179,893, G>A on the plus strand (C>T on the coding strand, the complement: OTUD4 is on the minus strand). VCF-style: chr4-145179893-G-A. GRCh37 (hg19) VCF-style: chr4-146101045-G-A.
Other names: c.81C>T, p.Ala27= (NM_001366058.1).
Identifiers: ClinVar variation 3035947 (VCV003035947.2), dbSNP rs1052634655, ClinGen allele CA107732180.
Genomic context (GRCh38, chr4:145,179,893, plus strand): 5'-GAACAGGCACGACCCGTCCTTGGCGACCAGTTTCCGATACAAGCCCAGTTTCCGCAGATA[G>A]GCGTCCATGGGCGTCGCGTCCTCGCGGGGCCCCGCGCCGCCCTGGTCCCCGCCGTCGGGG-3'
Protein context (NP_001352986.1, residues 17-37): GPREDATPMD[Ala27=]YLRKLGLYRK

ClinVar aggregate classification (germline): Likely benign (0 of 4 stars; one submission).

Conditions:
OTUD4-related disorder. Also called: OTUD4-related condition.

gnomAD v4.1: 59 of 1,528,838 alleles (0.0039%); highest among the groups gnomAD compares: African/African-American, 0.075%; no homozygotes.

Submission:

PreventionGenetics, part of Exact Sciences
Classification: Likely benign for OTUD4-related condition. Last evaluated: 2020-01-02. Review status: no assertion criteria provided. Collection method: clinical testing. Allele origin: germline.
Comment: This variant is classified as likely benign based on ACMG/AMP sequence variant interpretation guidelines (Richards et al. 2015 PMID: 25741868, with internal and published modifications).